The following is an entry in ClinVar:

ClinVar aggregate classification (germline): Uncertain significance (1 of 4 stars; one submission).

Conditions:
Neuronal ceroid lipofuscinosis. Also called: Neuronal Ceroid Lipofuscinoses. Identifiers: Orphanet 216, Orphanet 79263, MedGen C0027877, MONDO:0016295. Disease mechanism: loss of function.

Submission:

Labcorp Genetics (formerly Invitae), Labcorp
Classification: Uncertain significance for Neuronal ceroid lipofuscinosis. Last evaluated: 2022-04-16. Review status: criteria provided, single submitter. Criteria: Invitae Variant Classification Sherloc (09022015). Collection method: clinical testing. Allele origin: germline.
Comment: This sequence change replaces leucine, which is neutral and non-polar, with proline, which is neutral and non-polar, at codon 27 of the CLN3 protein (p.Leu27Pro). In summary, the available evidence is currently insufficient to determine the role of this variant in disease. Therefore, it has been classified as a Variant of Uncertain Significance. Algorithms developed to predict the effect of missense changes on protein structure and function output the following: SIFT: "Tolerated"; PolyPhen-2: "Benign"; Align-GVGD: "Class C0". The proline amino acid residue is found in multiple mammalian species, which suggests that this missense change does not adversely affect protein function. This variant has not been reported in the literature in individuals affected with CLN3-related conditions. This variant is not present in population databases (gnomAD no frequency).

NM_001042432.2(CLN3):c.80T>C (p.Leu27Pro)

Gene: CLN3 (CLN3 lysosomal/endosomal transmembrane protein, battenin; minus strand). Cytogenetic location: 16p12.1.
Variant type: single nucleotide variant.
Coding change: c.80T>C on transcript NM_001042432.2 (MANE Select); coding-DNA position 80, T replaced by C.
Protein change: p.Leu27Pro; replaces leucine 27 with proline.
Molecular consequence: missense variant. On other transcripts: intron variant (3).
Genome position (GRCh38, 1-based): chr16:28,491,527, A>G on the plus strand (T>C on the coding strand, the complement: CLN3 is on the minus strand). VCF-style: chr16-28491527-A-G. GRCh37 (hg19) VCF-style: chr16-28502848-A-G.
Other names: c.80T>C, p.Leu27Pro (NM_000086.2, NM_001286104.2); c.-38+187T>C (NM_001286109.2, NM_001286110.2); c.-96+187T>C (NM_001286105.2); short protein forms L27P.
Identifiers: ClinVar variation 1949837 (VCV001949837.5), dbSNP rs2506527055, ClinGen allele CA395347093.